The following is an entry in ClinVar:

ClinVar aggregate classification (germline): Pathogenic/Likely pathogenic. Review status: criteria provided, multiple submitters, no conflicts (2 of 4 stars). 3 submissions from 3 submitters: Pathogenic (2); Likely pathogenic (1). Last evaluated 2024-06-11.

Conditions:
Progressive external ophthalmoplegia with mitochondrial DNA deletions, autosomal dominant 1 (PEOA1). Also called: Autosomal Dominant Progressive External Ophthalmoplegia (adPEO); PROGRESSIVE EXTERNAL OPHTHALMOPLEGIA, AUTOSOMAL DOMINANT 1. Identifiers: MedGen C1834846, MONDO:0024528, OMIM 157640.
Progressive sclerosing poliodystrophy (MTDPS4A). Also called: Alpers-Huttenlocher Syndrome (AHS); Alpers Syndrome; ALPERS PROGRESSIVE INFANTILE POLIODYSTROPHY; Mitochondrial DNA depletion syndrome 4A (Alpers type); ALPERS DIFFUSE DEGENERATION OF CEREBRAL GRAY MATTER WITH HEPATIC CIRRHOSIS; Alpers-Huttenlocher Syndrome. Identifiers: Orphanet 726, MedGen C0205710, MONDO:0008758, OMIM 203700.
Mitochondrial DNA depletion syndrome 4b. Also called: Mitochondrial Neurogastrointestinal Encephalopathy Disease, POLG-Related; MNGIE, POLG-RELATED. Identifiers: Orphanet 298, MedGen C3150914, MONDO:0013350, OMIM 613662.
Sensory ataxic neuropathy, dysarthria, and ophthalmoparesis (SANDO). Also called: Ataxia Neuropathy Spectrum (ANS); Sensory ataxic neuropathy-dysarthria-ophthalmoparesis syndrome; SENSORY ATAXIC NEUROPATHY WITH MITOCHONDRIAL DNA DELETIONS, AUTOSOMAL RECESSIVE; Epilepsy, progressive myoclonic, type 5. Identifiers: Orphanet 70595, MedGen C1843851, MONDO:0011835, OMIM 607459.
Progressive external ophthalmoplegia with mitochondrial DNA deletions, autosomal recessive 1 (PEOB1). Also called: Progressive external ophthalmoplegia, autosomal recessive 1; Autosomal Recessive Progressive External Ophthalmoplegia (arPEO). Identifiers: Orphanet 254886, MedGen C4225153, MONDO:0009783, OMIM 258450.

Submissions (3):

Fulgent Genetics
Classification: Likely pathogenic for Progressive external ophthalmoplegia with mitochondrial DNA deletions, autosomal dominant 1; Progressive sclerosing poliodystrophy; Progressive external ophthalmoplegia with mitochondrial DNA deletions, autosomal recessive 1; Sensory ataxic neuropathy, dysarthria, and ophthalmoparesis; Mitochondrial DNA depletion syndrome 4b. Last evaluated: 2024-06-11. Review status: criteria provided, single submitter. Criteria: ACMG Guidelines, 2015. Collection method: clinical testing. Allele origin: germline.

Revvity Omics, Revvity
Classification: Pathogenic. Last evaluated: 2022-02-03. Review status: criteria provided, single submitter. Criteria: ACMG Guidelines, 2015. Collection method: clinical testing. Allele origin: germline.

Wong Mito Lab, Molecular and Human Genetics, Baylor College of Medicine
Classification: Pathogenic for Progressive sclerosing poliodystrophy. Last evaluated: 2018-10-01. Review status: criteria provided, single submitter. Criteria: ACMG Guidelines, 2015. Collection method: clinical testing. Allele origin: germline.
Comment: The NM_002693.2:c.3430_3433dup (NP_002684.1:p.Asp1145GlyfsTer29) [GRCH38: NC_000015.10:g.89318591_89318594dup] variant in POLG gene is interpretated to be a Pathogenic based on ACMG guidelines (PMID: 25741868). This variant meets the following evidence codes reported in the ACMG-guideline. PVS1:This variant is a predicted null variant in POLG where loss of function is a known mechanism of disease. PM2:This variant is absent in key population databases. PM3:Detected in trans with a pathogenic variant for Mitochondrial DNA depletion syndrome 4A (Alpers type) which is a recessive disorder. PM4:This variant causes alteration in the length of expressed protein. PP1:This variant is co-segregated with Mitochondrial DNA depletion syndrome 4A (Alpers type) in multiple affected family members. PP4:Patient's phenotype or family history is highly specific for POLG. Based on the evidence criteria codes applied, the variant is suggested to be Pathogenic.

NM_002693.3(POLG):c.3430_3433dup (p.Asp1145fs)

Gene: POLG (DNA polymerase gamma, catalytic subunit; minus strand). Cytogenetic location: 15q26.1.
Variant type: Duplication.
Coding change: c.3430_3433dup on transcript NM_002693.3 (MANE Select); coding-DNA positions 3430 to 3433, 4 bases duplicated (GAGG; older notation c.3430_3433dupGAGG).
Protein change: p.Asp1145fs; shifts the reading frame from aspartic acid 1145.
Molecular consequence: frameshift variant.
Genome position (GRCh38, 1-based): chr15:89,318,590-89,318,593, CCTC duplicated on the plus strand (GAGG on the coding strand, the reverse complement: POLG is on the minus strand); duplicating any 4 consecutive bases within chr15:89,318,590-89,318,594 gives the same sequence; the c. name uses the placement nearest the transcript's 3' end. VCF-style (leftmost placement, unchanged base first): chr15-89318589-T-TCCTC. GRCh37 (hg19) VCF-style: chr15-89861820-T-TCCTC.
Other names: c.3430_3433dup, p.Asp1145fs (NM_001126131.2); short protein forms D1145fs.
Identifiers: ClinVar variation 619311 (VCV000619311.5), dbSNP rs1567185048, ClinGen allele CA10602273.
Genomic context (GRCh38, chr15:89,318,589, plus strand): 5'-GGCCCCGCATACCTGGTCAAGAGGTTGGTGATCTGCAAGGCCAGGGCAGCGCGGTAGCGG[T>TCCTC]CCTCCTCCCGCACCAGGTAGCGAACCTCGTCATGGATGCTGATGCAGAAGCGCCCATCTA-3'